The following is an entry in ClinVar:

ClinVar aggregate classification (germline): Conflicting classifications of pathogenicity. Review status: criteria provided, conflicting classifications (1 of 4 stars). 2 submissions from 2 submitters: Uncertain significance (1); Likely benign (1). Last evaluated 2026-08-10.

Conditions:
Hereditary cancer-predisposing syndrome. Also called: Hereditary Cancer Syndrome; Hereditary neoplastic syndrome; Neoplastic Syndromes, Hereditary; Tumor predisposition. Identifiers: Orphanet 140162, MedGen C0027672, MeSH D009386, MONDO:0015356.
Hereditary nonpolyposis colorectal neoplasms. Identifiers: MedGen C0009405, MeSH D003123.

Submissions (2):

Ambry Genetics
Classification: Likely benign for Hereditary cancer-predisposing syndrome. Last evaluated: 2026-08-10. Review status: criteria provided, single submitter. Criteria: Ambry Variant Classification Scheme 2023. Collection method: clinical testing. Allele origin: germline.

Labcorp Genetics (formerly Invitae), Labcorp
Classification: Uncertain significance for Hereditary nonpolyposis colorectal neoplasms. Last evaluated: 2024-12-07. Review status: criteria provided, single submitter. Criteria: Invitae Variant Classification Sherloc (09022015). Collection method: clinical testing. Allele origin: germline.
Comment: This sequence change replaces alanine, which is neutral and non-polar, with aspartic acid, which is acidic and polar, at codon 35 of the MSH6 protein (p.Ala35Asp). This variant is not present in population databases (gnomAD no frequency). This variant has not been reported in the literature in individuals affected with MSH6-related conditions. ClinVar contains an entry for this variant (Variation ID: 1776552). Invitae Evidence Modeling of protein sequence and biophysical properties (such as structural, functional, and spatial information, amino acid conservation, physicochemical variation, residue mobility, and thermodynamic stability) indicates that this missense variant is not expected to disrupt MSH6 protein function with a negative predictive value of 95%. In summary, the available evidence is currently insufficient to determine the role of this variant in disease. Therefore, it has been classified as a Variant of Uncertain Significance.

NM_000179.3(MSH6):c.104C>A (p.Ala35Asp)

Gene: MSH6 (mutS homolog 6; plus strand). Cytogenetic location: 2p16.3.
Variant type: single nucleotide variant.
Coding change: c.104C>A on transcript NM_000179.3 (MANE Select); coding-DNA position 104, C replaced by A.
Protein change: p.Ala35Asp; replaces alanine 35 with aspartic acid.
Molecular consequence: missense variant. On other transcripts: 5 prime UTR variant (1).
Genome position (GRCh38, 1-based): chr2:47,783,337, C>A. VCF-style: chr2-47783337-C-A. GRCh37 (hg19) VCF-style: chr2-48010476-C-A.
Other names: c.104C>A, p.Ala35Asp (NM_001281492.2, NM_001406795.1, NM_001406796.1 and 9 more transcripts); c.-633C>A (NM_001281493.2, NM_001406811.1); c.-225C>A (NM_001406799.1); c.49C>A, p.Pro17Thr (NM_001406804.1); c.-825C>A (NM_001406807.1); c.-480C>A (NM_001406812.1); c.-891C>A (NM_001406814.1); c.-436C>A (NM_001406816.1); short protein forms P17T, A35D.
Identifiers: ClinVar variation 1776552 (VCV001776552.5), dbSNP rs776547943, ClinGen allele CA346734839.